The following is an entry in ClinVar:

NM_014845.6(FIG4):c.506A>G (p.Tyr169Cys)

Gene: FIG4 (FIG4 phosphoinositide 5-phosphatase; plus strand). Cytogenetic location: 6q21.
Variant type: single nucleotide variant.
Coding change: c.506A>G on transcript NM_014845.6 (MANE Select); coding-DNA position 506, A replaced by G.
Protein change: p.Tyr169Cys; replaces tyrosine 169 with cysteine.
Molecular consequence: missense variant.
Genome position (GRCh38, 1-based): chr6:109,735,158, A>G. VCF-style: chr6-109735158-A-G. GRCh37 (hg19) VCF-style: chr6-110056361-A-G.
Other names: short protein forms Y169C.
Identifiers: ClinVar variation 2062004 (VCV002062004.5), dbSNP rs770278572, ClinGen allele CA3955823.

ClinVar aggregate classification (germline): Uncertain significance. Review status: criteria provided, multiple submitters, no conflicts (2 of 4 stars). 2 submissions from 2 submitters: Uncertain significance (2). Last evaluated 2023-04-20.

Conditions:
FIG4-related disorder. Also called: FIG4-related condition; FIG4-related disorders.
Charcot-Marie-Tooth disease type 4. Also called: Charcot-Marie-Tooth disease, type IV; Charcot-Marie-Tooth, Type 4. Identifiers: Orphanet 64749, MedGen C4082197, MONDO:0018995.

Allele frequency attached by ClinVar (database versions not stated): gnomAD 0.00001; TOPMed 0.00001.
gnomAD v4.1: 6 of 1,612,452 alleles (0.00037%); highest among the groups gnomAD compares: East Asian, 0.0045%; no homozygotes.

Submissions (2):

PreventionGenetics, part of Exact Sciences
Classification: Uncertain significance for FIG4-related condition. Last evaluated: 2023-04-20. Review status: criteria provided, single submitter. Criteria: ACMG Guidelines, 2015. Collection method: clinical testing. Allele origin: germline.
Comment: The FIG4 c.506A>G variant is predicted to result in the amino acid substitution p.Tyr169Cys. To our knowledge, this variant has not been reported in the literature. Another variant at this position (p.Tyr169Ser) has been reported in the homozygous state in multiple unrelated individuals with features of both Charcot-Marie-Tooth disease type-4J (CMT4J) and Yunis-Varón syndrome (YVS) (Family 2, Lenk GM et al. 2019. PubMed ID: 30740813; Figure 2, Wright GC et al. 2020. PubMed ID: 32385905). The p.Tyr169Cys variant is reported in 0.027% of alleles in individuals of East Asian descent in gnomAD. At this time, the clinical significance of this variant is uncertain due to the absence of conclusive functional and genetic evidence.

Labcorp Genetics (formerly Invitae), Labcorp
Classification: Uncertain significance for Charcot-Marie-Tooth disease type 4. Last evaluated: 2022-11-03. Review status: criteria provided, single submitter. Criteria: Invitae Variant Classification Sherloc (09022015). Collection method: clinical testing. Allele origin: germline.
Comment: This variant has not been reported in the literature in individuals affected with FIG4-related conditions. In summary, the available evidence is currently insufficient to determine the role of this variant in disease. Therefore, it has been classified as a Variant of Uncertain Significance. This variant disrupts the p.Tyr169 amino acid residue in FIG4. Other variant(s) that disrupt this residue have been determined to be pathogenic (PMID: 30740813, 32385905, 34122524). This suggests that this residue is clinically significant, and that variants that disrupt this residue are likely to be disease-causing. Algorithms developed to predict the effect of missense changes on protein structure and function are either unavailable or do not agree on the potential impact of this missense change (SIFT: "Deleterious"; PolyPhen-2: "Probably Damaging"; Align-GVGD: "Class C0"). This variant is present in population databases (rs770278572, gnomAD 0.03%). This sequence change replaces tyrosine, which is neutral and polar, with cysteine, which is neutral and slightly polar, at codon 169 of the FIG4 protein (p.Tyr169Cys).

Literature cited by the submitters: PubMed 30740813 (cited by Labcorp Genetics (formerly Invitae), Labcorp); PubMed 32385905 (cited by Labcorp Genetics (formerly Invitae), Labcorp); PubMed 34122524 (cited by Labcorp Genetics (formerly Invitae), Labcorp).